The following is an entry in ClinVar:

NM_020822.3(KCNT1):c.518A>G (p.Lys173Arg)

Gene: KCNT1 (potassium sodium-activated channel subfamily T member 1; plus strand). Cytogenetic location: 9q34.3.
Variant type: single nucleotide variant.
Coding change: c.518A>G on transcript NM_020822.3 (MANE Select); coding-DNA position 518, A replaced by G.
Protein change: p.Lys173Arg; replaces lysine 173 with arginine.
Molecular consequence: missense variant.
Genome position (GRCh38, 1-based): chr9:135,755,147, A>G. VCF-style: chr9-135755147-A-G. GRCh37 (hg19) VCF-style: chr9-138646993-A-G.
Other names: c.374A>G, p.Lys125Arg (NM_001272003.2); short protein forms K125R, K173R.
Identifiers: ClinVar variation 1432042 (VCV001432042.7), dbSNP rs1028292080, ClinGen allele CA201458764.

ClinVar aggregate classification (germline): Conflicting classifications of pathogenicity. Review status: criteria provided, conflicting classifications (1 of 4 stars). 2 submissions from 2 submitters: Uncertain significance (1); Likely benign (1). Last evaluated 2022-11-07.

Conditions:
Developmental and epileptic encephalopathy, 14 (DEE14). Also called: Early infantile epileptic encephalopathy 14. Identifiers: Orphanet 293181, MedGen C3554195, MONDO:0013989, OMIM 614959.
Autosomal dominant nocturnal frontal lobe epilepsy 5. Also called: Epilepsy, nocturnal frontal lobe, 5; CILIARY DYSKINESIA, PRIMARY, 28, WITHOUT SITUS INVERSUS; CILIARY DYSKINESIA, PRIMARY, 28, WITH SITUS INVERSUS; KCNT1-Related Epilepsy. Identifiers: Orphanet 98784, MedGen C3554306, MONDO:0014002, OMIM 615005.
Intellectual disability. Also called: Intellectual functioning disability; Intellectual developmental disorder; intellectual disabilities. Identifiers: MedGen C3714756, MeSH D008607, MONDO:0001071, HP:0001249.

Allele frequency attached by ClinVar (database versions not stated): gnomAD exomes 0.00001; TOPMed 0.00001.
gnomAD v4.1: 3 of 1,612,328 alleles (0.00019%); highest among the groups gnomAD compares: Admixed American, 0.0017%; no homozygotes.

Submissions (2):

Labcorp Genetics (formerly Invitae), Labcorp
Classification: Uncertain significance for Autosomal dominant nocturnal frontal lobe epilepsy 5; Developmental and epileptic encephalopathy, 14. Last evaluated: 2022-11-07. Review status: criteria provided, single submitter. Criteria: Invitae Variant Classification Sherloc (09022015). Collection method: clinical testing. Allele origin: germline.
Comment: In summary, the available evidence is currently insufficient to determine the role of this variant in disease. Therefore, it has been classified as a Variant of Uncertain Significance. This variant has not been reported in the literature in individuals affected with KCNT1-related conditions. ClinVar contains an entry for this variant (Variation ID: 1432042). Advanced modeling of protein sequence and biophysical properties (such as structural, functional, and spatial information, amino acid conservation, physicochemical variation, residue mobility, and thermodynamic stability) performed at Invitae indicates that this missense variant is not expected to disrupt KCNT1 protein function. This sequence change replaces lysine, which is basic and polar, with arginine, which is basic and polar, at codon 173 of the KCNT1 protein (p.Lys173Arg). This variant is not present in population databases (gnomAD no frequency).

Cambridge Genomics Laboratory, East Genomic Laboratory Hub, NHS Genomic Medicine Service
Classification: Likely benign for Intellectual disability. Last evaluated: 2019-06-28. Review status: criteria provided, single submitter. Criteria: ACGS Best Practice Guidelines for Variant Classification in Rare Disease 2020. Collection method: clinical testing. Allele origin: germline. Affected: yes. Observed: 1 variant allele.